The following is an entry in ClinVar:

NM_000292.3(PHKA2):c.3112-27T>C

Gene: PHKA2 (phosphorylase kinase regulatory subunit alpha 2; minus strand). Cytogenetic location: Xp22.13.
Variant type: single nucleotide variant.
Coding change: c.3112-27T>C on transcript NM_000292.3 (MANE Select); 27 bases into the intron before coding-DNA position 3112, T replaced by C.
Molecular consequence: intron variant.
Genome position (GRCh38, 1-based): chrX:18,897,360, A>G on the plus strand (T>C on the coding strand, the complement: PHKA2 is on the minus strand). VCF-style: chrX-18897360-A-G. GRCh37 (hg19) VCF-style: chrX-18915478-A-G.
Other names: p.?; c.2929-27T>C (NM_001440804.1); c.2959-27T>C (NM_001440803.1); c.3013-27T>C (NM_001440802.1); c.3028-27T>C (NM_001440801.1); c.3058-27T>C (NM_001440800.1); c.3136-27T>C (NM_001440805.1).
Identifiers: ClinVar variation 4684506 (VCV004684506.1).

ClinVar aggregate classification (germline): Benign (1 of 4 stars; one submission).

gnomAD v4.1: 2,750 of 1,189,284 alleles (0.23%); highest among the groups gnomAD compares: Non-Finnish European, 0.28%; 2 homozygotes.

Submission:

Mayo Clinic Laboratories, Mayo Clinic
Classification: Benign. Last evaluated: 2023-08-07. Review status: criteria provided, single submitter. Criteria: ACMG Guidelines, 2015. Collection method: clinical testing. Allele origin: germline. Observed: 3 variant alleles.
Comment: BS1, BS2, BP4, BP7